The following is an entry in ClinVar:

NM_017763.6(RNF43):c.985T>C (p.Ser329Pro)

Gene: RNF43 (ring finger protein 43; minus strand). Cytogenetic location: 17q22.
Variant type: single nucleotide variant.
Coding change: c.985T>C on transcript NM_017763.6 (MANE Select); coding-DNA position 985, T replaced by C.
Protein change: p.Ser329Pro; replaces serine 329 with proline.
Molecular consequence: missense variant.
Genome position (GRCh38, 1-based): chr17:58,358,791, A>G on the plus strand (T>C on the coding strand, the complement: RNF43 is on the minus strand). VCF-style: chr17-58358791-A-G. GRCh37 (hg19) VCF-style: chr17-56436152-A-G.
Other names: c.985T>C (NM_017763.4); c.985T>C, p.Ser329Pro (NM_001305544.3); c.604T>C, p.Ser202Pro (NM_001305545.2); short protein forms S329P, S202P.
Identifiers: ClinVar variation 1039060 (VCV001039060.10), dbSNP rs1326711195, ClinGen allele CA400332383.

ClinVar aggregate classification (germline): Uncertain significance. Review status: criteria provided, multiple submitters, no conflicts (2 of 4 stars). 3 submissions from 3 submitters: Uncertain significance (3). Last evaluated 2025-06-08.

Conditions:
Sessile serrated polyposis cancer syndrome (SSPCS). Identifiers: Orphanet 157798, MedGen C4310714, MONDO:0014919, OMIM 617108.

Allele frequency attached by ClinVar (database versions not stated): gnomAD exomes below 0.00001; TOPMed below 0.00001; gnomAD 0.00001.
gnomAD v4.1: 8 of 1,532,788 alleles (0.00052%); highest among the groups gnomAD compares: Non-Finnish European, 0.00061%; no homozygotes.

Submissions (3):

Ambry Genetics
Classification: Uncertain significance. Last evaluated: 2025-06-08. Review status: criteria provided, single submitter. Criteria: Ambry Variant Classification Scheme 2023. Collection method: clinical testing. Allele origin: germline.
Comment: The p.S329P variant (also known as c.985T>C), located in coding exon 8 of the RNF43 gene, results from a T to C substitution at nucleotide position 985. The serine at codon 329 is replaced by proline, an amino acid with similar properties. This amino acid position is conserved. In addition, this alteration is predicted to be tolerated by in silico analysis. Based on the available evidence, the clinical significance of this variant remains unclear.

Baylor Genetics
Classification: Uncertain significance for Sessile serrated polyposis cancer syndrome. Last evaluated: 2023-10-25. Review status: criteria provided, single submitter. Criteria: ACMG Guidelines, 2015. Collection method: clinical testing. Allele origin: unknown.

Labcorp Genetics (formerly Invitae), Labcorp
Classification: Uncertain significance. Last evaluated: 2022-09-01. Review status: criteria provided, single submitter. Criteria: Invitae Variant Classification Sherloc (09022015). Collection method: clinical testing. Allele origin: germline.
Comment: This sequence change replaces serine, which is neutral and polar, with proline, which is neutral and non-polar, at codon 329 of the RNF43 protein (p.Ser329Pro). In summary, the available evidence is currently insufficient to determine the role of this variant in disease. Therefore, it has been classified as a Variant of Uncertain Significance. Algorithms developed to predict the effect of missense changes on protein structure and function (SIFT, PolyPhen-2, Align-GVGD) all suggest that this variant is likely to be tolerated. ClinVar contains an entry for this variant (Variation ID: 1039060). This variant has not been reported in the literature in individuals affected with RNF43-related conditions. This variant is not present in population databases (gnomAD no frequency).